The following is an entry in ClinVar:

NM_003327.4(TNFRSF4):c.314_315insT (p.Val106fs)

Gene: TNFRSF4 (TNF receptor superfamily member 4; minus strand). Cytogenetic location: 1p36.33.
Variant type: Insertion.
Coding change: c.314_315insT on transcript NM_003327.4 (MANE Select); coding-DNA positions 314 to 315, T inserted.
Protein change: p.Val106fs; shifts the reading frame from valine 106.
Molecular consequence: frameshift variant.
Genome position: GRCh38 VCF-style: chr1-1213047-T-TA. GRCh37 (hg19) VCF-style: chr1-1148427-T-TA.
Other names: c.314_315insT, p.Val106fs (NM_001410709.1); short protein forms V106fs.
Identifiers: ClinVar variation 2762599 (VCV002762599.3), dbSNP rs2521770942, ClinGen allele CA2697551995.

ClinVar aggregate classification (germline): Uncertain significance (1 of 4 stars; one submission).

Conditions:
Combined immunodeficiency due to OX40 deficiency. Also called: OX40 DEFICIENCY; Immunodeficiency 16. Identifiers: Orphanet 431149, MedGen C3810053, MONDO:0014268, OMIM 615593.

Submission:

Labcorp Genetics (formerly Invitae), Labcorp
Classification: Uncertain significance for Combined immunodeficiency due to OX40 deficiency. Last evaluated: 2023-12-01. Review status: criteria provided, single submitter. Criteria: Invitae Variant Classification Sherloc (09022015). Collection method: clinical testing. Allele origin: germline.
Comment: This sequence change creates a premature translational stop signal (p.Val106Serfs*19) in the TNFRSF4 gene. It is expected to result in an absent or disrupted protein product. However, the current clinical and genetic evidence is not sufficient to establish whether loss-of-function variants in TNFRSF4 cause disease. This variant is not present in population databases (gnomAD no frequency). This variant has not been reported in the literature in individuals affected with TNFRSF4-related conditions. Algorithms developed to predict the effect of sequence changes on RNA splicing suggest that this variant may disrupt the consensus splice site. In summary, the available evidence is currently insufficient to determine the role of this variant in disease. Therefore, it has been classified as a Variant of Uncertain Significance.